The following is an entry in ClinVar:

NM_000256.3(MYBPC3):c.3773T>G (p.Leu1258Ter)

Gene: MYBPC3 (myosin binding protein C3; minus strand). Cytogenetic location: 11p11.2.
Variant type: single nucleotide variant.
Coding change: c.3773T>G on transcript NM_000256.3 (MANE Select); coding-DNA position 3773, T replaced by G.
Protein change: p.Leu1258Ter; replaces leucine 1258 with a stop codon.
Molecular consequence: nonsense.
Genome position (GRCh38, 1-based): chr11:47,332,113, A>C on the plus strand (T>G on the coding strand, the complement: MYBPC3 is on the minus strand). VCF-style: chr11-47332113-A-C. GRCh37 (hg19) VCF-style: chr11-47353664-A-C.
Other names: c.3773T>G, p.Leu1258Ter (LRG_386t1); short protein forms L1258*.
Identifiers: ClinVar variation 181023 (VCV000181023.17), dbSNP rs730880604, ClinGen allele CA014846.
Genomic context (GRCh38, chr11:47,332,113, plus strand): 5'-GGCCCCGAGGGCTCCTCACCTCGCACCTCCAGGCGGCACTCACACCGTGCCTCGCCCTGT[A>C]AGTTGGTGGCCCTGCAGACATAGATGCCCCCGTCAAAGGGGCAGGGCTTTCTAATCTCCA-3'

ClinVar aggregate classification (germline): Pathogenic/Likely pathogenic. Review status: criteria provided, multiple submitters, no conflicts (2 of 4 stars). 4 submissions from 4 submitters: Pathogenic (3); Likely pathogenic (1). Last evaluated 2026-02-26.

Conditions:
MYBPC3-related disorder. Also called: MYBPC3-related disorders; MYBPC3-related condition; MYBPC3-related disease.
Cardiovascular phenotype. Identifiers: MedGen CN230736.
Hypertrophic cardiomyopathy. Also called: HYPERTROPHIC MYOCARDIOPATHY. Identifiers: Orphanet 217569, MedGen C0007194, MeSH D002312, MONDO:0005045, HP:0001639.

Allele frequency attached by ClinVar (database versions not stated): gnomAD exomes below 0.00001.
gnomAD v4.1: 1 of 1,613,432 alleles (0.000062%); highest among the groups gnomAD compares: Middle Eastern, 0.016%; no homozygotes.

Submissions (4):

PreventionGenetics, part of Exact Sciences
Classification: Pathogenic for MYBPC3-related condition. Last evaluated: 2026-02-26. Review status: criteria provided, single submitter. Criteria: ACMG Guidelines, 2015. Collection method: clinical testing. Allele origin: germline.
Comment: The MYBPC3 c.3773T>G variant is predicted to result in premature protein termination (p.Leu1258*). This variant was reported in individuals from hypertrophic cardiomyopathy cohorts (Online Table 4 in Ochoa et al. 2018. PubMed ID: 30442288; Table S8 in McGurk et al. 2023. PubMed ID: 37652022). This variant has not been reported in a large population database (gnomAD), indicating this variant is rare. Nonsense variants in MYBPC3 are expected to be pathogenic. This variant is interpreted as pathogenic.

Labcorp Genetics (formerly Invitae), Labcorp
Classification: Pathogenic for Hypertrophic cardiomyopathy. Last evaluated: 2025-11-03. Review status: criteria provided, single submitter. Criteria: Invitae Variant Classification Sherloc (09022015). Collection method: clinical testing. Allele origin: germline.
Comment: This sequence change creates a premature translational stop signal (p.Leu1258*) in the MYBPC3 gene. It is expected to result in an absent or disrupted protein product. Loss-of-function variants in MYBPC3 are known to be pathogenic (PMID: 19574547). This variant is not present in population databases (gnomAD no frequency). This variant has not been reported in the literature in individuals affected with MYBPC3-related conditions. ClinVar contains an entry for this variant (Variation ID: 181023). For these reasons, this variant has been classified as Pathogenic.

GeneDx
Classification: Likely pathogenic. Last evaluated: 2025-09-16. Review status: criteria provided, single submitter. Criteria: GeneDx Variant Classification Process June 2021. Collection method: clinical testing. Allele origin: germline. Affected: yes.
Comment: Reported in patients with HCM referred for genetic testing at GeneDx and in published literature; several patients harbored additional cardiogenetic variants (PMID: 37652022, 30442288); Not observed at significant frequency in large population cohorts (gnomAD); Nonsense variant predicted to result in protein truncation, as the last 17 amino acids are lost, and other loss-of-function variants have been reported downstream in HGMD; This variant is associated with the following publications: (PMID: 30442288, 37652022)

Ambry Genetics
Classification: Pathogenic for Cardiovascular phenotype. Last evaluated: 2023-10-20. Review status: criteria provided, single submitter. Criteria: Ambry Variant Classification Scheme 2023. Collection method: clinical testing. Allele origin: germline.
Comment: The p.L1258* pathogenic mutation (also known as c.3773T>G), located in coding exon 33 of the MYBPC3 gene, results from a T to G substitution at nucleotide position 3773. This changes the amino acid from a leucine to a stop codon within coding exon 33. This variant is considered to be rare based on population cohorts in the Genome Aggregation Database (gnomAD). This alteration is expected to result in loss of function by premature protein truncation or nonsense-mediated mRNA decay. As such, this alteration is interpreted as a disease-causing mutation.

Literature cited by the submitters: PubMed 19574547 (cited by Labcorp Genetics (formerly Invitae), Labcorp).